The following is an entry in ClinVar:

ClinVar aggregate classification (germline): Pathogenic (1 of 4 stars; one submission).

Conditions:
Intellectual disability-microcephaly-strabismus-behavioral abnormalities syndrome. Also called: White-Sutton Syndrome. Identifiers: Orphanet 468678, MedGen C4225351, MONDO:0014606, OMIM 616364.

Submission:

Juno Genomics, Hangzhou Juno Genomics, Inc
Classification: Pathogenic for Intellectual disability-microcephaly-strabismus-behavioral abnormalities syndrome. Review status: criteria provided, single submitter. Criteria: ACMG Guidelines, 2015. Collection method: clinical testing. Allele origin: germline. Affected: yes.
Comment: Null variant in a gene where loss of function (LOF) is a known mechanism of disease.;Absent from controls (or at extremely low frequency if recessive) in Genome Aggregation Database, Exome Sequencing Project, 1000 Genomes Project, or Exome Aggregation Consortium.;Patient's phenotype or family history is highly specific for a disease with a single genetic etiology.

NM_015100.4(POGZ):c.615_616del (p.Phe206fs)

Gene: POGZ (pogo transposable element derived with ZNF domain; minus strand). Cytogenetic location: 1q21.3.
Variant type: Microsatellite.
Coding change: c.615_616del on transcript NM_015100.4 (MANE Select); coding-DNA positions 615 to 616, 2 bases deleted (GT; older notation c.615_616delGT).
Protein change: p.Phe206fs; shifts the reading frame from phenylalanine 206.
Molecular consequence: frameshift variant.
Genome position (GRCh38, 1-based): chr1:151,428,366-151,428,367, AC deleted on the plus strand (GT on the coding strand, the reverse complement: POGZ is on the minus strand); deleting any 2 consecutive bases within chr1:151,428,366-151,428,369 gives the same sequence; the c. name uses the placement nearest the transcript's 3' end. VCF-style (leftmost placement, unchanged base first): chr1-151428365-AAC-A. GRCh37 (hg19) VCF-style: chr1-151400841-AAC-A.
Other names: c.615_616del, p.Phe206fs (NM_001194937.2); c.456_457del, p.Phe153fs (NM_001194938.2, NM_207171.2); c.636_637del, p.Phe213fs (NM_001410860.1); c.330_331del, p.Phe111fs (NM_145796.4); short protein forms F111fs, F153fs, F206fs, F213fs.
Identifiers: ClinVar variation 3383063 (VCV003383063.2).